The following is an entry in ClinVar:

ClinVar aggregate classification (germline): Likely benign (1 of 4 stars; one submission).

Allele frequency attached by ClinVar (database versions not stated): 1000 Genomes Project 30x 0.00016.
gnomAD v4.1: 51 of 1,592,566 alleles (0.0032%); highest among the groups gnomAD compares: African/African-American, 0.049%; 9 homozygotes.

Submission:

CeGaT Center for Human Genetics Tuebingen
Classification: Likely benign. Last evaluated: 2023-01-01. Review status: criteria provided, single submitter. Criteria: CeGaT Center For Human Genetics Tuebingen Variant Classification Criteria Version 2. Collection method: clinical testing. Allele origin: germline. Affected: yes. Observed: 1 variant allele.
Comment: PSG9: BS2

NM_002784.5(PSG9):c.1243+13C>G

Gene: PSG9 (pregnancy specific beta-1-glycoprotein 9; minus strand). Cytogenetic location: 19q13.31.
Variant type: single nucleotide variant.
Coding change: c.1243+13C>G on transcript NM_002784.5 (MANE Select); 13 bases into the intron after coding-DNA position 1243, C replaced by G.
Molecular consequence: intron variant. On other transcripts: missense variant (1).
Genome position (GRCh38, 1-based): chr19:43,258,189, G>C on the plus strand (C>G on the coding strand, the complement: PSG9 is on the minus strand). VCF-style: chr19-43258189-G-C. GRCh37 (hg19) VCF-style: chr19-43762341-G-C.
Other names: c.977C>G, p.Pro326Arg (NM_001411075.1); c.685+13C>G (NM_001301709.2); c.964+13C>G (NM_001301707.2, NM_001301708.2); short protein forms P326R.
Identifiers: ClinVar variation 2650058 (VCV002650058.24), dbSNP rs140864598, ClinGen allele CA9485060.